The following is an entry in ClinVar:

ClinVar aggregate classification (germline): Uncertain significance (1 of 4 stars; one submission).

gnomAD v4.1: 33 of 1,613,592 alleles (0.002%); highest among the groups gnomAD compares: South Asian, 0.0022%; no homozygotes.

Submission:

Labcorp Genetics (formerly Invitae), Labcorp
Classification: Uncertain significance. Last evaluated: 2025-03-29. Review status: criteria provided, single submitter. Criteria: Invitae Variant Classification Sherloc (09022015). Collection method: clinical testing. Allele origin: germline.
Comment: This sequence change replaces arginine, which is basic and polar, with tryptophan, which is neutral and slightly polar, at codon 191 of the CEP63 protein (p.Arg191Trp). This variant is present in population databases (rs759870175, gnomAD 0.008%). This variant has not been reported in the literature in individuals affected with CEP63-related conditions. Invitae Evidence Modeling of protein sequence and biophysical properties (such as structural, functional, and spatial information, amino acid conservation, physicochemical variation, residue mobility, and thermodynamic stability) indicates that this missense variant is not expected to disrupt CEP63 protein function with a negative predictive value of 80%. In summary, the available evidence is currently insufficient to determine the role of this variant in disease. Therefore, it has been classified as a Variant of Uncertain Significance.

NM_001353108.3(CEP63):c.571C>T (p.Arg191Trp)

Gene: CEP63 (centrosomal protein 63; plus strand). Cytogenetic location: 3q22.2.
Variant type: single nucleotide variant.
Coding change: c.571C>T on transcript NM_001353108.3 (MANE Select); coding-DNA position 571, C replaced by T.
Protein change: p.Arg191Trp; replaces arginine 191 with tryptophan.
Molecular consequence: missense variant. On other transcripts: non-coding transcript variant (4).
Genome position (GRCh38, 1-based): chr3:134,545,601, C>T. VCF-style: chr3-134545601-C-T. GRCh37 (hg19) VCF-style: chr3-134264443-C-T.
Other names: c.571C>T, p.Arg191Trp (NM_001042383.2, NM_001042384.2, NM_001042400.3 and 13 more transcripts); c.598C>T, p.Arg200Trp (NM_001353118.1); c.487C>T, p.Arg163Trp (NM_001353125.2); c.208C>T, p.Arg70Trp (NM_001353126.2); short protein forms R191W, R163W, R200W, R70W.
Identifiers: ClinVar variation 4763120 (VCV004763120.1).
Genomic context (GRCh38, chr3:134,545,601, plus strand): 5'-TTATCATTTCCCTTTTACCTATTGATTGATAGTCTGTGTTTCTAGGCTCAGCTTGTCAAT[C>T]GGAAACAGAAATTAGAGTCTGTGGAACTTTCTAGCCAATCAGAAATTCAACACTTAAGCA-3'
Protein context (NP_001340037.1, residues 181-201): SEIIQAQLVN[Arg191Trp]KQKLESVELS